The following is an entry in ClinVar:

GRCh37/hg19 2q33.1(chr2:200245985-200406185)x1

Gene: SATB2 (SATB homeobox 2; minus strand). Cytogenetic location: 2q33.1.
Variant type: copy number loss.
Change: copy number 1 (one copy instead of two) of chr2:200,245,985-200,406,185 (160.2 kb, GRCh37 coordinates, 1-based), cytogenetic band 2q33.1.
Identifiers: ClinVar variation 1341312 (VCV001341312.1).

ClinVar aggregate classification (germline): Pathogenic (0 of 4 stars; one submission).

Submission:

Quest Diagnostics Nichols Institute San Juan Capistrano
Classification: Pathogenic. Last evaluated: 2020-11-20. Review status: no assertion criteria provided. Collection method: clinical testing. Allele origin: germline.
Comment: The copy number loss of 2q33.1 involves several exons of the 5-prime portion of SATB2 (exons 1-5 of 11; NM_015265.3) (OMIM 608148), and is expected to cause phenotypic and/or developmental abnormalities. Haploinsufficiency of SATB2 is associated with intellectual disability, cleft palate (reduced penetrance), and tooth abnormalities (variable expressivity), referred to as SATB2-associted syndrome or Glass syndrome (OMIM 612313).